The following is an entry in ClinVar:

ClinVar aggregate classification (germline): Uncertain significance. Review status: criteria provided, multiple submitters, no conflicts (2 of 4 stars). 2 submissions from 2 submitters: Uncertain significance (2). Last evaluated 2025-04-17.

Allele frequency attached by ClinVar (database versions not stated): TOPMed below 0.00001; ExAC 0.00001; gnomAD 0.00001; gnomAD exomes 0.00002 and 0.00001.

Submissions (2):

Labcorp Genetics (formerly Invitae), Labcorp
Classification: Uncertain significance. Last evaluated: 2025-04-17. Review status: criteria provided, single submitter. Criteria: Invitae Variant Classification Sherloc (09022015). Collection method: clinical testing. Allele origin: germline.
Comment: This sequence change replaces leucine, which is neutral and non-polar, with phenylalanine, which is neutral and non-polar, at codon 451 of the EFEMP1 protein (p.Leu451Phe). This variant is present in population databases (rs751641246, gnomAD 0.002%). This variant has not been reported in the literature in individuals affected with EFEMP1-related conditions. ClinVar contains an entry for this variant (Variation ID: 194015). Invitae Evidence Modeling of protein sequence and biophysical properties (such as structural, functional, and spatial information, amino acid conservation, physicochemical variation, residue mobility, and thermodynamic stability) indicates that this missense variant is not expected to disrupt EFEMP1 protein function with a negative predictive value of 80%. Experimental studies have shown that this missense change affects EFEMP1 function (PMID: 33542268). In summary, the available evidence is currently insufficient to determine the role of this variant in disease. Therefore, it has been classified as a Variant of Uncertain Significance.

Eurofins Ntd Llc (ga)
Classification: Uncertain significance. Last evaluated: 2018-02-20. Review status: criteria provided, single submitter. Criteria: EGL ClinVar v180209 classification definitions. Collection method: clinical testing. Allele origin: germline. Observed: 2 variant alleles, 2 heterozygotes.

Literature cited by the submitters: PubMed 33542268 (cited by Labcorp Genetics (formerly Invitae), Labcorp).

NM_001039348.3(EFEMP1):c.1351C>T (p.Leu451Phe)

Gene: EFEMP1 (EGF-like fibulin extracellular matrix protein 1; minus strand). Cytogenetic location: 2p16.1.
Variant type: single nucleotide variant.
Coding change: c.1351C>T on transcript NM_001039348.3 (MANE Select); coding-DNA position 1351, C replaced by T.
Protein change: p.Leu451Phe; replaces leucine 451 with phenylalanine.
Molecular consequence: missense variant.
Genome position (GRCh38, 1-based): chr2:55,867,204, G>A on the plus strand (C>T on the coding strand, the complement: EFEMP1 is on the minus strand). VCF-style: chr2-55867204-G-A. GRCh37 (hg19) VCF-style: chr2-56094339-G-A.
Other names: c.1351C>T, p.Leu451Phe (NM_001039349.3); short protein forms L451F.
Identifiers: ClinVar variation 194015 (VCV000194015.8), dbSNP rs751641246, ClinGen allele CA239786.